The following is an entry in ClinVar:

NM_000551.4(VHL):c.464-2A>C

Genes: VHL (von Hippel-Lindau tumor suppressor; plus strand), LOC107303340 (3p25 von Hippel-Lindau tumor suppressor, E3 ubiquitin protein ligase Alu-mediated recombination region; plus strand). Cytogenetic location: 3p25.3.
Variant type: single nucleotide variant.
Coding change: c.464-2A>C on transcript NM_000551.4 (MANE Select); the canonical splice acceptor site of the intron before coding-DNA position 464, A replaced by C.
Molecular consequence: splice acceptor variant.
Genome position (GRCh38, 1-based): chr3:10,149,785, A>C. VCF-style: chr3-10149785-A-C. GRCh37 (hg19) VCF-style: chr3-10191469-A-C.
Other names: c.*18-2A>C (NM_001354723.2); c.341-2A>C (NM_198156.3).
Identifiers: ClinVar variation 2925346 (VCV002925346.3), dbSNP rs5030816, ClinGen allele CA351756024.

ClinVar aggregate classification (germline): Pathogenic (1 of 4 stars; one submission).

Conditions:
Von Hippel-Lindau syndrome (VHLS). Also called: Von Hippel-Lindau; von Hippel–Lindau syndrome; VHL syndrome. Identifiers: Orphanet 892, MedGen C0019562, MONDO:0008667, OMIM 193300. Disease mechanism: loss of function.
Chuvash polycythemia. Also called: POLYCYTHEMIA, VHL-DEPENDENT. Identifiers: Orphanet 238557, MedGen C1837915, MONDO:0009892, OMIM 263400.

Submission:

Labcorp Genetics (formerly Invitae), Labcorp
Classification: Pathogenic for Von Hippel-Lindau syndrome; Chuvash polycythemia. Last evaluated: 2023-02-16. Review status: criteria provided, single submitter. Criteria: Invitae Variant Classification Sherloc (09022015). Collection method: clinical testing. Allele origin: germline.
Comment: This sequence change affects an acceptor splice site in intron 2 of the VHL gene. While this variant is not anticipated to result in nonsense mediated decay, it likely alters RNA splicing and results in a disrupted protein product. This variant is not present in population databases (gnomAD no frequency). Disruption of this splice site has been observed in individual(s) with clinical features of von Hippel-Lindau syndrome and/or von Hippel-Lindau syndrome (PMID: 8707293; Invitae). In at least one individual the variant was observed to be de novo. Variants that disrupt the consensus splice site are a relatively common cause of aberrant splicing (PMID: 17576681, 9536098). Algorithms developed to predict the effect of sequence changes on RNA splicing suggest that this variant may disrupt the consensus splice site. For these reasons, this variant has been classified as Pathogenic.

Literature cited by the submitters: PubMed 8707293; PubMed 17576681; PubMed 9536098.